The following is an entry in ClinVar:

ClinVar aggregate classification (germline): Uncertain significance (1 of 4 stars; one submission).

Conditions:
Hereditary cancer-predisposing syndrome. Also called: Neoplastic Syndromes, Hereditary; Hereditary neoplastic syndrome; Tumor predisposition; Hereditary Cancer Syndrome. Identifiers: Orphanet 140162, MedGen C0027672, MeSH D009386, MONDO:0015356.

Submission:

Color Diagnostics, LLC DBA Color Health
Classification: Uncertain significance for Hereditary cancer-predisposing syndrome. Last evaluated: 2025-07-28. Review status: criteria provided, single submitter. Criteria: ACMG Guidelines, 2015. Collection method: clinical testing. Allele origin: germline.
Comment: This missense variant replaces aspartic acid with valine at codon 1018 of the APC protein. Computational prediction is inconclusive regarding the impact of this variant on protein structure and function. To our knowledge, functional studies have not been reported for this variant. This variant has not been reported in individuals affected with APC-related disorders in the literature. This variant has not been identified in the general population by the Genome Aggregation Database (gnomAD). The available evidence is insufficient to determine the role of this variant in disease conclusively. Therefore, this variant is classified as a Variant of Uncertain Significance.

NM_000038.6(APC):c.3053A>T (p.Asp1018Val)

Gene: APC (APC regulator of Wnt signaling pathway; plus strand). Cytogenetic location: 5q22.2.
Variant type: single nucleotide variant.
Coding change: c.3053A>T on transcript NM_000038.6 (MANE Select); coding-DNA position 3053, A replaced by T.
Protein change: p.Asp1018Val; replaces aspartic acid 1018 with valine.
Molecular consequence: missense variant. On other transcripts: non-coding transcript variant (2).
Genome position (GRCh38, 1-based): chr5:112,838,647, A>T. VCF-style: chr5-112838647-A-T. GRCh37 (hg19) VCF-style: chr5-112174344-A-T.
Other names: c.3053A>T, p.Asp1018Val (NM_001127510.3, NM_001354895.2, NM_001407450.1); c.2999A>T, p.Asp1000Val (NM_001127511.3); c.3107A>T, p.Asp1036Val (NM_001354896.2, NM_001407447.1, NM_001407448.1 and 1 more transcripts); c.3083A>T, p.Asp1028Val (NM_001354897.2); c.2978A>T, p.Asp993Val (NM_001354898.2); c.2969A>T, p.Asp990Val (NM_001354899.2); c.2930A>T, p.Asp977Val (NM_001354900.2); c.2876A>T, p.Asp959Val (NM_001354901.2, NM_001407453.1); and 11 more; short protein forms D1000V, D1008V, D1011V, D1018V, D1028V, D1036V, D1046V, D634V.
Identifiers: ClinVar variation 4758976 (VCV004758976.1).